The following is an entry in ClinVar:

NM_024334.3(TMEM43):c.706-10C>T

Gene: TMEM43 (transmembrane protein 43; plus strand). Cytogenetic location: 3p25.1.
Variant type: single nucleotide variant.
Coding change: c.706-10C>T on transcript NM_024334.3 (MANE Select); 10 bases into the intron before coding-DNA position 706, C replaced by T.
Molecular consequence: intron variant.
Genome position (GRCh38, 1-based): chr3:14,135,148, C>T. VCF-style: chr3-14135148-C-T. GRCh37 (hg19) VCF-style: chr3-14176648-C-T.
Other names: c.709-10C>T (NM_001407274.1); c.706-10C>T (NM_001407276.1, NM_001407275.1, NM_001407277.1); c.705+257C>T (NM_001407279.1); c.691-10C>T (NM_001407278.1); c.556-10C>T (NM_001407280.1).
Identifiers: ClinVar variation 3070644 (VCV003070644.1), dbSNP rs767156841, ClinGen allele CA2664569280.

ClinVar aggregate classification (germline): Likely benign (1 of 4 stars; one submission).

Conditions:
Arrhythmogenic right ventricular dysplasia 5. Also called: Arrhythmogenic Right Ventricular Dysplasia/Cardiomyopathy 5; ARRHYTHMOGENIC RIGHT VENTRICULAR DYSPLASIA, FAMILIAL, 5. Identifiers: MedGen C1858379, MONDO:0011459, OMIM 604400.

gnomAD v4.1: 1 of 1,611,184 alleles (0.000062%); highest among the groups gnomAD compares: South Asian, 0.0011%; no homozygotes.

Submission:

All of Us Research Program, National Institutes of Health
Classification: Likely benign for Arrhythmogenic right ventricular dysplasia 5. Last evaluated: 2023-05-04. Review status: criteria provided, single submitter. Criteria: ACMG Guidelines, 2015. Collection method: clinical testing. Allele origin: germline. Inheritance: Autosomal dominant inheritance. Observed: 1 variant allele, 1 heterozygote.
Comment: This study involves interpretation of variants in research participants for the purpose of population health screening. Participant phenotype was not available at the time of variant classification. Additional details can be found in publication PMID: 35346344, PMCID: PMC8962531